The following is an entry in ClinVar:

ClinVar aggregate classification (germline): Uncertain significance. Review status: criteria provided, multiple submitters, no conflicts (2 of 4 stars). 2 submissions from 2 submitters: Uncertain significance (2). Last evaluated 2025-06-23.

Conditions:
Hereditary spastic paraplegia 48. Also called: SPASTIC PARAPLEGIA 48, AUTOSOMAL RECESSIVE; Spastic paraplegia 48. Identifiers: Orphanet 306511, MedGen C3150901, MONDO:0013342, OMIM 613647.

Allele frequency attached by ClinVar (database versions not stated): TOPMed 0.00007; 1000 Genomes Project 30x 0.00016.
gnomAD v4.1: 57 of 1,605,730 alleles (0.0035%); highest among the groups gnomAD compares: Admixed American, 0.013%; no homozygotes.

Submissions (2):

Labcorp Genetics (formerly Invitae), Labcorp
Classification: Uncertain significance for Hereditary spastic paraplegia 48. Last evaluated: 2025-06-23. Review status: criteria provided, single submitter. Criteria: Invitae Variant Classification Sherloc (09022015). Collection method: clinical testing. Allele origin: germline.
Comment: This sequence change replaces arginine, which is basic and polar, with tryptophan, which is neutral and slightly polar, at codon 711 of the AP5Z1 protein (p.Arg711Trp). This variant is present in population databases (rs113184057, gnomAD 0.02%). This variant has not been reported in the literature in individuals affected with AP5Z1-related conditions. ClinVar contains an entry for this variant (Variation ID: 949367). Invitae Evidence Modeling of protein sequence and biophysical properties (such as structural, functional, and spatial information, amino acid conservation, physicochemical variation, residue mobility, and thermodynamic stability) indicates that this missense variant is expected to disrupt AP5Z1 protein function with a positive predictive value of 80%. In summary, the available evidence is currently insufficient to determine the role of this variant in disease. Therefore, it has been classified as a Variant of Uncertain Significance.

Women's Health and Genetics/Laboratory Corporation of America, LabCorp
Classification: Uncertain significance. Last evaluated: 2023-10-18. Review status: criteria provided, single submitter. Criteria: LabCorp Variant Classification Summary - May 2015. Collection method: clinical testing. Allele origin: germline.
Comment: Variant summary: KIAA0415 c.2131C>T (p.Arg711Trp) results in a non-conservative amino acid change in the encoded protein sequence. Five of five in-silico tools predict a damaging effect of the variant on protein function. The variant allele was found at a frequency of 3.8e-05 in 234140 control chromosomes (gnomAD). The available data on variant occurrences in the general population are insufficient to allow any conclusion about variant significance. To our knowledge, no occurrence of c.2131C>T in individuals affected with Hereditary Spastic Paraplegia and no experimental evidence demonstrating its impact on protein function have been reported. One submitter has cited a clinical-significance assessment for this variant to ClinVar after 2014 and has classified the variant as uncertain significance. Based on the evidence outlined above, the variant was classified as uncertain significance.

NM_014855.3(AP5Z1):c.2131C>T (p.Arg711Trp)

Gene: AP5Z1 (adaptor related protein complex 5 subunit zeta 1; plus strand). Cytogenetic location: 7p22.1.
Variant type: single nucleotide variant.
Coding change: c.2131C>T on transcript NM_014855.3 (MANE Select); coding-DNA position 2131, C replaced by T.
Protein change: p.Arg711Trp; replaces arginine 711 with tryptophan.
Molecular consequence: missense variant. On other transcripts: non-coding transcript variant (1).
Genome position (GRCh38, 1-based): chr7:4,790,865, C>T. VCF-style: chr7-4790865-C-T. GRCh37 (hg19) VCF-style: chr7-4830496-C-T.
Other names: c.1663C>T, p.Arg555Trp (NM_001364858.1); short protein forms R711W, R555W.
Identifiers: ClinVar variation 949367 (VCV000949367.9), dbSNP rs113184057, ClinGen allele CA4138315.